The following is an entry in ClinVar:

ClinVar aggregate classification (germline): Benign/Likely benign. Review status: criteria provided, multiple submitters, no conflicts (2 of 4 stars). 3 submissions from 3 submitters: Benign (1); Likely benign (1). 1 of the submissions does not count toward it. Last evaluated 2024-08-08.

Conditions:
PTCH2-related disorder. Also called: PTCH2-related condition; PTCH2-related disease.
Gorlin syndrome. Also called: Nevoid Basal Cell Carcinoma Syndrome; Basal cell nevus syndrome. Identifiers: Orphanet 377, MedGen C0004779, MONDO:0007187.

Allele frequency attached by ClinVar (database versions not stated): gnomAD 0.00001 and 0.00005; TOPMed 0.00002; gnomAD exomes 0.00010 and 0.00018; ExAC 0.00025.
gnomAD v4.1: 156 of 1,613,956 alleles (0.0097%); highest among the groups gnomAD compares: South Asian, 0.17%; 2 homozygotes.

Submissions (3):

Labcorp Genetics (formerly Invitae), Labcorp
Classification: Likely benign for Gorlin syndrome. Last evaluated: 2024-08-08. Review status: criteria provided, single submitter. Criteria: Invitae Variant Classification Sherloc (09022015). Collection method: clinical testing. Allele origin: germline.

CeGaT Center for Human Genetics Tuebingen
Classification: Benign. Last evaluated: 2022-09-01. Review status: criteria provided, single submitter. Criteria: CeGaT Center For Human Genetics Tuebingen Variant Classification Criteria Version 2. Collection method: clinical testing. Allele origin: germline. Affected: yes. Observed: 1 variant allele.
Comment: PTCH2: BS1, BS2

PreventionGenetics, part of Exact Sciences
Classification: Likely benign for PTCH2-related condition. Last evaluated: 2023-03-29. Review status: no assertion criteria provided. Collection method: clinical testing. Allele origin: germline. Not counted in ClinVar's aggregate classification.
Comment: This variant is classified as likely benign based on ACMG/AMP sequence variant interpretation guidelines (Richards et al. 2015 PMID: 25741868, with internal and published modifications).

NM_003738.5(PTCH2):c.1760G>A (p.Gly587Glu)

Gene: PTCH2 (patched 2; minus strand). Cytogenetic location: 1p34.1.
Variant type: single nucleotide variant.
Coding change: c.1760G>A on transcript NM_003738.5 (MANE Select); coding-DNA position 1760, G replaced by A.
Protein change: p.Gly587Glu; replaces glycine 587 with glutamic acid.
Molecular consequence: missense variant.
Genome position (GRCh38, 1-based): chr1:44,828,141, C>T on the plus strand (G>A on the coding strand, the complement: PTCH2 is on the minus strand). VCF-style: chr1-44828141-C-T. GRCh37 (hg19) VCF-style: chr1-45293813-C-T.
Other names: c.1760G>A, p.Gly587Glu (NM_001166292.2); short protein forms G587E.
Identifiers: ClinVar variation 697144 (VCV000697144.36), dbSNP rs772982125, ClinGen allele CA823170.